The following is an entry in ClinVar:

ClinVar aggregate classification (germline): Likely benign (1 of 4 stars; one submission).

Allele frequency attached by ClinVar (database versions not stated): 1000 Genomes Project 30x 0.00016; 1000 Genomes Project 0.00020; gnomAD 0.00044; TOPMed 0.00048; gnomAD exomes 0.00049; ExAC 0.00050; ESP Exome Variant Server 0.00054.
gnomAD v4.1: 781 of 1,613,080 alleles (0.048%); highest among the groups gnomAD compares: Non-Finnish European, 0.061%; no homozygotes.

Submission:

CeGaT Center for Human Genetics Tuebingen
Classification: Likely benign. Last evaluated: 2022-10-01. Review status: criteria provided, single submitter. Criteria: CeGaT Center For Human Genetics Tuebingen Variant Classification Criteria Version 2. Collection method: clinical testing. Allele origin: germline. Affected: yes. Observed: 1 variant allele.
Comment: TLN2: BP4, BP7

NM_015059.3(TLN2):c.6654G>A (p.Thr2218=)

Gene: TLN2 (talin 2; plus strand). Cytogenetic location: 15q22.2.
Variant type: single nucleotide variant.
Coding change: c.6654G>A on transcript NM_015059.3 (MANE Select); coding-DNA position 6654, G replaced by A.
Protein change: p.Thr2218=; no amino-acid change (threonine 2218 retained).
Molecular consequence: synonymous variant.
Genome position (GRCh38, 1-based): chr15:62,805,776, G>A. VCF-style: chr15-62805776-G-A. GRCh37 (hg19) VCF-style: chr15-63097975-G-A.
Other names: c.6654G>A, p.Thr2218= (NM_001394547.1).
Identifiers: ClinVar variation 2645419 (VCV002645419.24), dbSNP rs140753187, ClinGen allele CA7600745.